The following is an entry in ClinVar:

ClinVar aggregate classification (germline): Uncertain significance (1 of 4 stars; one submission).

Conditions:
Hereditary cancer-predisposing syndrome. Also called: Neoplastic Syndromes, Hereditary; Tumor predisposition; Hereditary Cancer Syndrome; Hereditary neoplastic syndrome. Identifiers: Orphanet 140162, MedGen C0027672, MeSH D009386, MONDO:0015356.

Submission:

Ambry Genetics
Classification: Uncertain significance for Hereditary cancer-predisposing syndrome. Last evaluated: 2024-11-21. Review status: criteria provided, single submitter. Criteria: Ambry Variant Classification Scheme 2023. Collection method: clinical testing. Allele origin: germline.
Comment: The p.N1012I variant (also known as c.3035A>T), located in coding exon 15 of the APC gene, results from an A to T substitution at nucleotide position 3035. The asparagine at codon 1012 is replaced by isoleucine, an amino acid with dissimilar properties. This amino acid position is conserved. In addition, in silico predictors for this gene do not accurately predict pathogenicity. Based on the available evidence, the clinical significance of this variant remains unclear.

NM_000038.6(APC):c.3035A>T (p.Asn1012Ile)

Gene: APC (APC regulator of Wnt signaling pathway; plus strand). Cytogenetic location: 5q22.2.
Variant type: single nucleotide variant.
Coding change: c.3035A>T on transcript NM_000038.6 (MANE Select); coding-DNA position 3035, A replaced by T.
Protein change: p.Asn1012Ile; replaces asparagine 1012 with isoleucine.
Molecular consequence: missense variant. On other transcripts: non-coding transcript variant (2).
Genome position (GRCh38, 1-based): chr5:112,838,629, A>T. VCF-style: chr5-112838629-A-T. GRCh37 (hg19) VCF-style: chr5-112174326-A-T.
Other names: c.3035A>T, p.Asn1012Ile (NM_001127510.3, NM_001354895.2, NM_001407450.1); c.2981A>T, p.Asn994Ile (NM_001127511.3); c.3089A>T, p.Asn1030Ile (NM_001354896.2, NM_001407447.1, NM_001407448.1 and 1 more transcripts); c.3065A>T, p.Asn1022Ile (NM_001354897.2); c.2960A>T, p.Asn987Ile (NM_001354898.2); c.2951A>T, p.Asn984Ile (NM_001354899.2); c.2912A>T, p.Asn971Ile (NM_001354900.2); c.2858A>T, p.Asn953Ile (NM_001354901.2, NM_001407453.1); and 11 more; short protein forms N1002I, N628I, N729I, N971I, N994I, N1030I, N921I, N953I.
Identifiers: ClinVar variation 3412440 (VCV003412440.1).